The following is an entry in ClinVar:

NM_001374736.1(DST):c.5234A>C (p.Lys1745Thr)

Gene: DST (dystonin; minus strand). Cytogenetic location: 6p12.1.
Variant type: single nucleotide variant.
Coding change: c.5234A>C on transcript NM_001374736.1 (MANE Select); coding-DNA position 5234, A replaced by C.
Protein change: p.Lys1745Thr; replaces lysine 1745 with threonine.
Molecular consequence: missense variant.
Genome position (GRCh38, 1-based): chr6:56,610,476, T>G on the plus strand (A>C on the coding strand, the complement: DST is on the minus strand). VCF-style: chr6-56610476-T-G. GRCh37 (hg19) VCF-style: chr6-56475274-T-G.
Other names: c.5135A>C, p.Lys1712Thr (NM_001144769.5); c.4721A>C, p.Lys1574Thr (NM_001144770.2); c.5234A>C, p.Lys1745Thr (NM_001374722.1); c.4601A>C, p.Lys1534Thr (NM_001374729.1, NM_001374730.1, NM_183380.4); c.5261A>C, p.Lys1754Thr (NM_001374734.1); c.3623A>C, p.Lys1208Thr (NM_015548.5); short protein forms K1574T, K1712T, K1745T, K1754T, K1208T, K1534T.
Identifiers: ClinVar variation 967767 (VCV000967767.8), dbSNP rs540084594, ClinGen allele CA3869769.

ClinVar aggregate classification (germline): Uncertain significance (1 of 4 stars; one submission).

Conditions:
Hereditary sensory and autonomic neuropathy type 6. Also called: Neuropathy, hereditary sensory and autonomic, type VI; HSAN VI. Identifiers: Orphanet 314381, MedGen C3539003, MONDO:0013839, OMIM 614653.
Epidermolysis bullosa simplex 3, localized or generalized intermediate, with BP230 deficiency (EBS3). Also called: Epidermolysis bullosa simplex, autosomal recessive 2; Epidermolysis bullosa simplex due to BP230 deficiency. Identifiers: Orphanet 412181, MedGen C3809470, MONDO:0014180, OMIM 615425.

Allele frequency attached by ClinVar (database versions not stated): gnomAD below 0.00001 and 0.00003; TOPMed 0.00001; 1000 Genomes Project 30x 0.00016; 1000 Genomes Project 0.00020; gnomAD exomes 0.00020; ExAC 0.00062.
gnomAD v4.1: 130 of 1,568,848 alleles (0.0083%); highest among the groups gnomAD compares: South Asian, 0.15%; 1 homozygote.

Submission:

Labcorp Genetics (formerly Invitae), Labcorp
Classification: Uncertain significance for Epidermolysis bullosa simplex 3, localized or generalized intermediate, with BP230 deficiency; Hereditary sensory and autonomic neuropathy type 6. Last evaluated: 2022-06-03. Review status: criteria provided, single submitter. Criteria: Invitae Variant Classification Sherloc (09022015). Collection method: clinical testing. Allele origin: germline.
Comment: This variant is present in population databases (rs540084594, gnomAD 0.2%). This sequence change replaces lysine, which is basic and polar, with threonine, which is neutral and polar, at codon 1208 of the DST protein (p.Lys1208Thr). This variant has not been reported in the literature in individuals affected with DST-related conditions. The DST gene has multiple clinically relevant transcripts. This variant occurs in alternate transcript NM_015548.4, and corresponds to NM_001723.5:c.*5041A>C in the primary transcript. Experimental studies and prediction algorithms are not available or were not evaluated, and the functional significance of this variant is currently unknown. In summary, the available evidence is currently insufficient to determine the role of this variant in disease. Therefore, it has been classified as a Variant of Uncertain Significance.